The following is an entry in ClinVar:

NM_001927.4(DES):c.218G>A (p.Arg73Gln)

Gene: DES (desmin; plus strand). Cytogenetic location: 2q35.
Variant type: single nucleotide variant.
Coding change: c.218G>A on transcript NM_001927.4 (MANE Select); coding-DNA position 218, G replaced by A.
Protein change: p.Arg73Gln; replaces arginine 73 with glutamine.
Molecular consequence: missense variant.
Genome position (GRCh38, 1-based): chr2:219,418,680, G>A. VCF-style: chr2-219418680-G-A. GRCh37 (hg19) VCF-style: chr2-220283402-G-A.
Other names: c.218G>A (LRG_380t1); short protein forms R73Q.
Identifiers: ClinVar variation 500027 (VCV000500027.21), dbSNP rs752518966, ClinGen allele CA2125038.

ClinVar aggregate classification (germline): Conflicting classifications of pathogenicity. Review status: criteria provided, conflicting classifications (1 of 4 stars). 5 submissions from 5 submitters: Uncertain significance (4); Likely benign (1). Last evaluated 2025-12-08.

Conditions:
Desmin-related myofibrillar myopathy (MFM1). Also called: Myofibrillar myopathy 1; Desminopathy; Desmin related myopathy (former name); Desmin storage myopathy (former name); MYOFIBRILLAR MYOPATHY WITH ARRHYTHMOGENIC RIGHT VENTRICULAR CARDIOMYOPATHY; DESMIN-RELATED MYOPATHY WITH ARRHYTHMOGENIC RIGHT VENTRICULAR CARDIOMYOPATHY. Identifiers: Orphanet 363543, Orphanet 98909, MedGen C1832370, MONDO:0011076, OMIM 601419.
Cardiovascular phenotype. Identifiers: MedGen CN230736.

Allele frequency attached by ClinVar (database versions not stated): gnomAD 0.00001; gnomAD exomes 0.00001; TOPMed 0.00001; ExAC 0.00003.

Submissions (5):

Labcorp Genetics (formerly Invitae), Labcorp
Classification: Uncertain significance for Desmin-related myofibrillar myopathy. Last evaluated: 2025-12-08. Review status: criteria provided, single submitter. Criteria: Invitae Variant Classification Sherloc (09022015). Collection method: clinical testing. Allele origin: germline.
Comment: This sequence change replaces arginine, which is basic and polar, with glutamine, which is neutral and polar, at codon 73 of the DES protein (p.Arg73Gln). The frequency data for this variant in the population databases is considered unreliable, as metrics indicate poor data quality at this position in the gnomAD database. This variant has not been reported in the literature in individuals affected with DES-related conditions. ClinVar contains an entry for this variant (Variation ID: 500027). Invitae Evidence Modeling of protein sequence and biophysical properties (such as structural, functional, and spatial information, amino acid conservation, physicochemical variation, residue mobility, and thermodynamic stability) has been performed for this missense variant. However, the output from this modeling did not meet the statistical confidence thresholds required to predict the impact of this variant on DES protein function. In summary, the available evidence is currently insufficient to determine the role of this variant in disease. Therefore, it has been classified as a Variant of Uncertain Significance.

Ambry Genetics
Classification: Uncertain significance for Cardiovascular phenotype. Last evaluated: 2025-10-22. Review status: criteria provided, single submitter. Criteria: Ambry Variant Classification Scheme 2023. Collection method: clinical testing. Allele origin: germline.
Comment: The p.R73Q variant (also known as c.218G>A), located in coding exon 1 of the DES gene, results from a G to A substitution at nucleotide position 218. The arginine at codon 73 is replaced by glutamine, an amino acid with highly similar properties. This amino acid position is well conserved in available vertebrate species. In addition, the in silico prediction for this alteration is inconclusive. Since supporting evidence is limited at this time, the clinical significance of this alteration remains unclear.

Revvity Omics, Revvity
Classification: Uncertain significance. Last evaluated: 2025-06-19. Review status: criteria provided, single submitter. Criteria: ACMG Guidelines, 2015. Collection method: clinical testing. Allele origin: germline.

GeneDx
Classification: Likely benign. Last evaluated: 2021-02-24. Review status: criteria provided, single submitter. Criteria: GeneDx Variant Classification Process June 2021. Collection method: clinical testing. Allele origin: germline. Affected: yes.
Comment: In silico analysis supports that this missense variant does not alter protein structure/function; Has not been previously published as pathogenic or benign to our knowledge; This variant is associated with the following publications: (PMID: 30564623)

Eurofins Ntd Llc (ga)
Classification: Uncertain significance. Last evaluated: 2018-09-12. Review status: criteria provided, single submitter. Criteria: EGL ClinVar v180209 classification definitions. Collection method: clinical testing. Allele origin: germline. Observed: 8 variant alleles, 8 heterozygotes.